The following is an entry in ClinVar:

ClinVar aggregate classification (germline): Likely benign. Review status: criteria provided, multiple submitters, no conflicts (2 of 4 stars). 3 submissions from 3 submitters: Likely benign (3). Last evaluated 2025-10-31.

Conditions:
Charcot-Marie-Tooth disease type 4. Also called: Charcot-Marie-Tooth disease, type IV; Charcot-Marie-Tooth, Type 4. Identifiers: Orphanet 64749, MedGen C4082197, MONDO:0018995.
Inborn genetic diseases. Identifiers: MedGen C0950123, MeSH D030342.
FGD4-related disorder. Also called: FGD4-related condition.

Allele frequency attached by ClinVar (database versions not stated): TOPMed 0.00007; gnomAD 0.00009; gnomAD exomes 0.00009 and 0.00012; ExAC 0.00011.
gnomAD v4.1: 152 of 1,614,048 alleles (0.0094%); highest among the groups gnomAD compares: Non-Finnish European, 0.0074%; no homozygotes.

Submissions (3):

Labcorp Genetics (formerly Invitae), Labcorp
Classification: Likely benign for Charcot-Marie-Tooth disease type 4. Last evaluated: 2025-10-31. Review status: criteria provided, single submitter. Criteria: Invitae Variant Classification Sherloc (09022015). Collection method: clinical testing. Allele origin: germline.

PreventionGenetics, part of Exact Sciences
Classification: Likely benign for FGD4-related condition. Last evaluated: 2025-03-27. Review status: criteria provided, single submitter. Criteria: ACMG Guidelines, 2015. Collection method: clinical testing. Allele origin: germline.
Comment: This variant is classified as likely benign based on ACMG/AMP sequence variant interpretation guidelines (Richards et al. 2015 PMID: 25741868, with internal and published modifications).

Ambry Genetics
Classification: Likely benign for Inborn genetic diseases. Last evaluated: 2019-07-11. Review status: criteria provided, single submitter. Criteria: Ambry Variant Classification Scheme 2023. Collection method: clinical testing. Allele origin: germline.

NM_001370298.3(FGD4):c.2517C>T (p.Ser839=)

Gene: FGD4 (FYVE, RhoGEF and PH domain containing 4; plus strand). Cytogenetic location: 12p11.21.
Variant type: single nucleotide variant.
Coding change: c.2517C>T on transcript NM_001370298.3 (MANE Select); coding-DNA position 2517, C replaced by T.
Protein change: p.Ser839=; no amino-acid change (serine 839 retained).
Molecular consequence: synonymous variant.
Genome position (GRCh38, 1-based): chr12:32,640,338, C>T. VCF-style: chr12-32640338-C-T. GRCh37 (hg19) VCF-style: chr12-32793272-C-T.
Other names: c.2106C>T (NM_139241.2); c.2361C>T, p.Ser787= (NM_001304481.2); c.1074C>T, p.Ser358= (NM_001304484.2); c.1827C>T, p.Ser609= (NM_001330373.2, NM_001330374.2, NM_001384130.1); c.1554C>T, p.Ser518= (NM_001370297.1); c.2517C>T, p.Ser839= (NM_001384126.1); c.2106C>T, p.Ser702= (NM_001384127.1, NM_001384128.1, NM_001385118.1 and 1 more transcripts).
Identifiers: ClinVar variation 543472 (VCV000543472.13), dbSNP rs777555137, ClinGen allele CA6507117.